The following is an entry in ClinVar:

ClinVar aggregate classification (germline): Conflicting classifications of pathogenicity. Review status: criteria provided, conflicting classifications (1 of 4 stars). 10 submissions from 10 submitters: Uncertain significance (2); Likely benign (7). 1 of the submissions does not count toward it. Last evaluated 2026-03-17.

Conditions:
BMPR1A-related disorder. Also called: BMPR1A-related condition.
Inherited polyposis and early onset colorectal cancer - germline testing.
Juvenile polyposis syndrome (JPS). Identifiers: Orphanet 2929, MedGen C0345893, MONDO:0017380, OMIM 174900.
Hereditary cancer-predisposing syndrome. Also called: Tumor predisposition; Neoplastic Syndromes, Hereditary; Hereditary neoplastic syndrome; Hereditary Cancer Syndrome. Identifiers: Orphanet 140162, MedGen C0027672, MeSH D009386, MONDO:0015356.

Allele frequency attached by ClinVar (database versions not stated): gnomAD exomes 0.00009 and below 0.00001; gnomAD 0.00001; TOPMed 0.00002.
gnomAD v4.1: 129 of 1,613,784 alleles (0.008%); highest among the groups gnomAD compares: Non-Finnish European, 0.011%; no homozygotes.

Submissions (10):

Genomics and Molecular Medicine Service, East Genomic Laboratory Hub, NHS Genomic Medicine Service
Classification: Uncertain significance for Inherited polyposis and early onset colorectal cancer - germline testing. Last evaluated: 2026-03-17. Review status: criteria provided, single submitter. Criteria: ACGS Best Practice Guidelines for Variant Classification in Rare Disease 2020. Collection method: clinical testing. Allele origin: germline. Affected: yes.
Comment: BP4

Labcorp Genetics (formerly Invitae), Labcorp
Classification: Likely benign for Juvenile polyposis syndrome. Last evaluated: 2026-01-19. Review status: criteria provided, single submitter. Criteria: Invitae Variant Classification Sherloc (09022015). Collection method: clinical testing. Allele origin: germline.

PreventionGenetics, part of Exact Sciences
Classification: Likely benign for BMPR1A-related condition. Last evaluated: 2026-01-06. Review status: criteria provided, single submitter. Criteria: ACMG Guidelines, 2015. Collection method: clinical testing. Allele origin: germline.
Comment: This variant is classified as likely benign based on ACMG/AMP sequence variant interpretation guidelines (Richards et al. 2015 PMID: 25741868, with internal and published modifications).

Quest Diagnostics Nichols Institute San Juan Capistrano
Classification: Likely benign. Last evaluated: 2025-08-11. Review status: criteria provided, single submitter. Criteria: Quest Diagnostics criteria. Collection method: clinical testing. Allele origin: unknown.

All of Us Research Program, National Institutes of Health
Classification: Likely benign for Juvenile polyposis syndrome. Last evaluated: 2023-11-02. Review status: criteria provided, single submitter. Criteria: ACMG Guidelines, 2015. Collection method: clinical testing. Allele origin: germline. Inheritance: Autosomal dominant inheritance. Observed: 5 variant alleles, 5 heterozygotes.
Comment: This study involves interpretation of variants in research participants for the purpose of population health screening. Participant phenotype was not available at the time of variant classification. Additional details can be found in publication PMID: 35346344, PMCID: PMC8962531

Myriad Genetics, Inc.
Classification: Likely benign for Juvenile polyposis syndrome. Last evaluated: 2023-03-02. Review status: criteria provided, single submitter. Criteria: Myriad Autosomal Dominant, Autosomal Recessive and X-Linked Classification Criteria (2023). Collection method: clinical testing. Allele origin: unknown.
Comment: This variant is considered likely benign. This variant is intronic and is not expected to impact mRNA splicing.

Color Diagnostics, LLC DBA Color Health
Classification: Likely benign for Hereditary cancer-predisposing syndrome. Last evaluated: 2020-12-11. Review status: criteria provided, single submitter. Criteria: ACMG Guidelines, 2015. Collection method: clinical testing. Allele origin: germline.

Ambry Genetics
Classification: Likely benign for Hereditary cancer-predisposing syndrome. Last evaluated: 2019-10-09. Review status: criteria provided, single submitter. Criteria: Ambry Variant Classification Scheme 2023. Collection method: clinical testing. Allele origin: germline.

GeneDx
Classification: Uncertain significance. Last evaluated: 2019-10-09. Review status: criteria provided, single submitter. Criteria: GeneDx Variant Classification Process June 2021. Collection method: clinical testing. Allele origin: germline. Affected: yes.
Comment: Not observed at a significant frequency in large population cohorts (Lek et al., 2016); In silico analysis, which includes splice predictors and evolutionary conservation, supports that this variant does not alter protein structure/function; Nucleotide substitution has no predicted effect on splicing and is not conserved across species; Observed in individuals with breast cancer (Desmond 2015, Tung 2016); This variant is associated with the following publications: (PMID: 26976419, 26270727)

Counsyl
Classification: Uncertain significance for Juvenile polyposis syndrome. Last evaluated: 2016-01-13. Review status: no assertion criteria provided. Collection method: clinical testing. Allele origin: unknown. Not counted in ClinVar's aggregate classification.

Literature cited by the submitters: PubMed 26270727 (cited by Ambry Genetics); PubMed 26976419 (cited by Ambry Genetics).

NM_004329.3(BMPR1A):c.676-3A>C

Gene: BMPR1A (bone morphogenetic protein receptor type 1A; plus strand). Cytogenetic location: 10q23.2.
Variant type: single nucleotide variant.
Coding change: c.676-3A>C on transcript NM_004329.3 (MANE Select); 3 bases into the intron before coding-DNA position 676, A replaced by C.
Molecular consequence: intron variant.
Genome position (GRCh38, 1-based): chr10:86,917,131, A>C. VCF-style: chr10-86917131-A-C. GRCh37 (hg19) VCF-style: chr10-88676888-A-C.
Identifiers: ClinVar variation 142843 (VCV000142843.31), dbSNP rs587782760, ClinGen allele CA169554.